The following is an entry in ClinVar:

NM_005529.7(HSPG2):c.1087C>T (p.Arg363Cys)

Gene: HSPG2 (heparan sulfate proteoglycan 2; minus strand). Cytogenetic location: 1p36.12.
Variant type: single nucleotide variant.
Coding change: c.1087C>T on transcript NM_005529.7 (MANE Select); coding-DNA position 1087, C replaced by T.
Protein change: p.Arg363Cys; replaces arginine 363 with cysteine.
Molecular consequence: missense variant.
Genome position (GRCh38, 1-based): chr1:21,885,443, G>A on the plus strand (C>T on the coding strand, the complement: HSPG2 is on the minus strand). VCF-style: chr1-21885443-G-A. GRCh37 (hg19) VCF-style: chr1-22211936-G-A.
Other names: c.1087C>T, p.Arg363Cys (NM_001291860.2); short protein forms R363C.
Identifiers: ClinVar variation 1917431 (VCV001917431.6), dbSNP rs373137902, ClinGen allele CA673569.

ClinVar aggregate classification (germline): Uncertain significance. Review status: criteria provided, multiple submitters, no conflicts (2 of 4 stars). 2 submissions from 2 submitters: Uncertain significance (2). Last evaluated 2024-11-04.

Conditions:
Inborn genetic diseases. Identifiers: MedGen C0950123, MeSH D030342.

Allele frequency attached by ClinVar (database versions not stated): ExAC 0.00002.
gnomAD v4.1: 22 of 1,613,874 alleles (0.0014%); highest among the groups gnomAD compares: Admixed American, 0.0033%; no homozygotes.

Submissions (2):

Labcorp Genetics (formerly Invitae), Labcorp
Classification: Uncertain significance. Last evaluated: 2024-11-04. Review status: criteria provided, single submitter. Criteria: Invitae Variant Classification Sherloc (09022015). Collection method: clinical testing. Allele origin: germline.
Comment: This sequence change replaces arginine, which is basic and polar, with cysteine, which is neutral and slightly polar, at codon 363 of the HSPG2 protein (p.Arg363Cys). This variant is present in population databases (rs373137902, gnomAD 0.006%). This variant has not been reported in the literature in individuals affected with HSPG2-related conditions. ClinVar contains an entry for this variant (Variation ID: 1917431). An algorithm developed to predict the effect of missense changes on protein structure and function (PolyPhen-2) suggests that this variant is likely to be tolerated. In summary, the available evidence is currently insufficient to determine the role of this variant in disease. Therefore, it has been classified as a Variant of Uncertain Significance.

Ambry Genetics
Classification: Uncertain significance for Inborn genetic diseases. Last evaluated: 2022-02-09. Review status: criteria provided, single submitter. Criteria: Ambry Variant Classification Scheme 2023. Collection method: clinical testing. Allele origin: germline.